The following is an entry in ClinVar:

ClinVar aggregate classification (germline): Benign. Review status: criteria provided, single submitter (1 of 4 stars). 2 submissions from 2 submitters: Benign (1). 1 of the submissions does not count toward it. Last evaluated 2025-02-24.

Conditions:
NRIP1-related disorder. Also called: NRIP1-related condition.

gnomAD v4.1: 50 of 1,613,672 alleles (0.0031%); highest among the groups gnomAD compares: East Asian, 0.11%; no homozygotes.

Submissions (2):

Labcorp Genetics (formerly Invitae), Labcorp
Classification: Benign. Last evaluated: 2025-02-24. Review status: criteria provided, single submitter. Criteria: Invitae Variant Classification Sherloc (09022015). Collection method: clinical testing. Allele origin: germline.

PreventionGenetics, part of Exact Sciences
Classification: Likely benign for NRIP1-related condition. Last evaluated: 2019-08-09. Review status: no assertion criteria provided. Collection method: clinical testing. Allele origin: germline. Not counted in ClinVar's aggregate classification.
Comment: This variant is classified as likely benign based on ACMG/AMP sequence variant interpretation guidelines (Richards et al. 2015 PMID: 25741868, with internal and published modifications).

NM_003489.4(NRIP1):c.3123C>G (p.Pro1041=)

Gene: NRIP1 (nuclear receptor interacting protein 1; minus strand). Cytogenetic location: 21q11.2.
Variant type: single nucleotide variant.
Coding change: c.3123C>G on transcript NM_003489.4 (MANE Select); coding-DNA position 3123, C replaced by G.
Protein change: p.Pro1041=; no amino-acid change (proline 1041 retained).
Molecular consequence: synonymous variant.
Genome position (GRCh38, 1-based): chr21:14,965,070, G>C on the plus strand (C>G on the coding strand, the complement: NRIP1 is on the minus strand). VCF-style: chr21-14965070-G-C. GRCh37 (hg19) VCF-style: chr21-16337391-G-C.
Other names: c.3123C>G (NM_003489.3).
Identifiers: ClinVar variation 2189315 (VCV002189315.6), dbSNP rs373749896, ClinGen allele CA9981025.
Genomic context (GRCh38, chr21:14,965,070, plus strand): 5'-CAATCTTGGAGAGTCTTTTTCATACTCATTCTTCTCCGCATCAGTGATAACCCACTTAAT[G>C]GGTCCTTTCTCACTGGGCATGGAACACCCATTCAAAAGCCCAGATTCTGGTCTAGACCCT-3'
Protein context (NP_003480.2, residues 1031-1051): NGCSMPSEKG[Pro1041=]IKWVITDAEK